The following is an entry in ClinVar:

ClinVar aggregate classification (germline): Conflicting classifications of pathogenicity. Review status: criteria provided, conflicting classifications (1 of 4 stars). 2 submissions from 2 submitters: Likely pathogenic (1); Uncertain significance (1). Last evaluated 2025-04-14.

Conditions:
Renal hypodysplasia/aplasia 3 (RHDA3). Identifiers: MedGen C4540497, MONDO:0024520, OMIM 617805.
Mayer-Rokitansky-Kuster-Hauser syndrome (CAUV). Also called: CONGENITAL ABSENCE OF UTERUS AND VAGINA; MULLERIAN APLASIA/DYSGENESIS; Mayer-Rokitansky-Küster-Hauser syndrome; Rokitansky sequence. Identifiers: Orphanet 247775, Orphanet 3109, MedGen C0431648, MONDO:0017771.

Submissions (2):

Laboratory of Molecular Genetics, CHU Rennes
Classification: Likely pathogenic for Renal hypodysplasia/aplasia 3. Last evaluated: 2025-04-14. Review status: criteria provided, single submitter. Criteria: ACMG Guidelines, 2015. Collection method: clinical testing. Allele origin: paternal. Affected: yes.

Human Genetic Laboratory, University of Liege
Classification: Uncertain significance for Renal hypodysplasia/aplasia 3; Mayer Rokitansky Kuster Hauser syndrome type 1. Last evaluated: 2020-02-20. Review status: criteria provided, single submitter. Criteria: ACMG Guidelines, 2015. Collection method: research. Allele origin: inherited, unknown. Inheritance: Autosomal dominant inheritance. Affected: yes and no. Observed: 5 heterozygotes. Clinical features observed: Aplasia/hypoplasia of the uterus (HP:0008684), Aplasia/Hypoplasia of the vagina (HP:0011026), Bilateral renal agenesis (HP:0010958), Streak ovary (HP:0010464), Aplasia of the bladder (HP:0010477), Unilateral renal agenesis (HP:0000122).
Comment: This is a novel variant in GREB1L, a gene previously associated with renal and uterine malformations in human. This missense variant is not reported in Gnomad. The variant affects a highly conserved amino acid and nucleotide and multiple in silico tools predict a deleterious effect on the protein function. We have identified this variant in heterozygous state in two sibling with renal agenesis +/- uterovaginal aplasia and their father with unilateral renal agenesis.

NM_001142966.3(GREB1L):c.5198A>G (p.Asn1733Ser)

Gene: GREB1L (GREB1 like retinoic acid receptor coactivator; plus strand). Cytogenetic location: 18q11.2.
Variant type: single nucleotide variant.
Coding change: c.5198A>G on transcript NM_001142966.3 (MANE Select); coding-DNA position 5198, A replaced by G.
Protein change: p.Asn1733Ser; replaces asparagine 1733 with serine.
Molecular consequence: missense variant.
Genome position (GRCh38, 1-based): chr18:21,516,681, A>G. VCF-style: chr18-21516681-A-G. GRCh37 (hg19) VCF-style: chr18-19096642-A-G.
Other names: short protein forms N1733S.
Identifiers: ClinVar variation 917903 (VCV000917903.2), dbSNP rs2037428972, ClinGen allele CA401735305.